The following is an entry in ClinVar:

NC_000017.10:g.(?_44845686)_(45016126_?)dup

Genes: GOSR2 (golgi SNAP receptor complex member 2; plus strand), WNT3 (Wnt family member 3; minus strand), WNT9B (Wnt family member 9B; plus strand). Cytogenetic location: 17q21.31-21.32.
Variant type: Duplication.
Identifiers: ClinVar variation 2425053 (VCV002425053.4).

ClinVar aggregate classification (germline): Uncertain significance (1 of 4 stars; one submission).

Conditions:
Progressive myoclonic epilepsy. Also called: Familial progressive myoclonic epilepsy; Myoclonic Epilepsies, Progressive; Progressive myoclonus epilepsy; Myoclonus epilepsy. Identifiers: Orphanet 308, Orphanet 98261, MedGen C0751778, MONDO:0020074.

Submission:

Labcorp Genetics (formerly Invitae), Labcorp
Classification: Uncertain significance for Progressive myoclonic epilepsy. Last evaluated: 2022-10-13. Review status: criteria provided, single submitter. Criteria: Invitae Variant Classification Sherloc (09022015). Collection method: clinical testing. Allele origin: germline.
Comment: A copy number gain of the genomic region encompassing the full coding sequence of the GOSR2 gene has been identified. The boundaries of this event are unknown as they extend beyond the assayed region for this gene and therefore may encompass additional genes. As the precise location of this event is unknown, it may be in tandem or it may be located elsewhere in the genome. This variant has not been reported in the literature in individuals affected with GOSR2-related conditions. Experimental studies and prediction algorithms are not available or were not evaluated, and the functional significance of this variant is currently unknown. In summary, the available evidence is currently insufficient to determine the role of this variant in disease. Therefore, it has been classified as a Variant of Uncertain Significance.